The following is an entry in ClinVar:

ClinVar aggregate classification (germline): Conflicting classifications of pathogenicity. Review status: criteria provided, conflicting classifications (1 of 4 stars). 2 submissions from 2 submitters: Uncertain significance (1); Benign (1). Last evaluated 2025-08-10.

Conditions:
Kabuki syndrome. Also called: Kabuki make-up syndrome; NIIKAWA-KUROKI SYNDROME. Identifiers: Orphanet 2322, MedGen C0796004, MONDO:0016512.
KMT2D-related disorder. Also called: KMT2D-Related Disorders.

gnomAD v4.1: 9 of 1,609,082 alleles (0.00056%); highest among the groups gnomAD compares: Admixed American, 0.012%; no homozygotes.

Submissions (2):

Labcorp Genetics (formerly Invitae), Labcorp
Classification: Benign for Kabuki syndrome. Last evaluated: 2025-08-10. Review status: criteria provided, single submitter. Criteria: Invitae Variant Classification Sherloc (09022015). Collection method: clinical testing. Allele origin: germline.

PreventionGenetics, part of Exact Sciences
Classification: Uncertain significance for KMT2D-related condition. Last evaluated: 2024-12-06. Review status: criteria provided, single submitter. Criteria: ACMG Guidelines, 2015. Collection method: clinical testing. Allele origin: germline.
Comment: The KMT2D c.13045C>A variant is predicted to result in the amino acid substitution p.Pro4349Thr. To our knowledge, this variant has not been reported in the literature. This variant is reported in 0.015% of alleles in individuals of Latino descent in gnomAD. Although we suspect that this variant may be benign, at this time, the clinical significance of this variant is uncertain due to the absence of conclusive functional and genetic evidence.

NM_003482.4(KMT2D):c.13045C>A (p.Pro4349Thr)

Gene: KMT2D (lysine methyltransferase 2D; minus strand). Cytogenetic location: 12q13.12.
Variant type: single nucleotide variant.
Coding change: c.13045C>A on transcript NM_003482.4 (MANE Select); coding-DNA position 13045, C replaced by A.
Protein change: p.Pro4349Thr; replaces proline 4349 with threonine.
Molecular consequence: missense variant.
Genome position (GRCh38, 1-based): chr12:49,031,660, G>T on the plus strand (C>A on the coding strand, the complement: KMT2D is on the minus strand). VCF-style: chr12-49031660-G-T. GRCh37 (hg19) VCF-style: chr12-49425443-G-T.
Other names: c.13045C>A (NM_003482.3); short protein forms P4349T.
Identifiers: ClinVar variation 1577565 (VCV001577565.9), dbSNP rs181733689, ClinGen allele CA6546082.